The following is an entry in ClinVar:

ClinVar aggregate classification (germline): Benign/Likely benign. Review status: criteria provided, multiple submitters, no conflicts (2 of 4 stars). 4 submissions from 4 submitters: Benign (2); Likely benign (1). 1 of the submissions does not count toward it. Last evaluated 2025-12-25.

Conditions:
TNS2-related disorder. Also called: TNS2-related condition.

Allele frequency attached by ClinVar (database versions not stated): 1000 Genomes Project 30x 0.00125; 1000 Genomes Project 0.00140; gnomAD 0.00200 and 0.00212; gnomAD exomes 0.00234 and 0.00262; TOPMed 0.00241; ExAC 0.00247; ESP Exome Variant Server 0.00261.
gnomAD v4.1: 3,790 of 1,613,188 alleles (0.23%); highest among the groups gnomAD compares: Middle Eastern, 1.6%; 20 homozygotes.

Submissions (4):

Labcorp Genetics (formerly Invitae), Labcorp
Classification: Benign. Last evaluated: 2025-12-25. Review status: criteria provided, single submitter. Criteria: Invitae Variant Classification Sherloc (09022015). Collection method: clinical testing. Allele origin: germline.

CeGaT Center for Human Genetics Tuebingen
Classification: Likely benign. Last evaluated: 2025-07-01. Review status: criteria provided, single submitter. Criteria: CeGaT Center For Human Genetics Tuebingen Variant Classification Criteria Version 2. Collection method: clinical testing. Allele origin: germline. Affected: yes. Observed: 2 variant alleles.
Comment: TNS2: BP4, BP7, BS2; TNS2-AS1: BS2

Breakthrough Genomics
Classification: Benign. Review status: criteria provided, single submitter. Criteria: ACMG Guidelines, 2015. Collection method: not provided. Allele origin: germline. Inheritance: Unknown mechanism. Affected: yes.

PreventionGenetics, part of Exact Sciences
Classification: Benign for TNS2-related condition. Last evaluated: 2022-12-19. Review status: no assertion criteria provided. Collection method: clinical testing. Allele origin: germline. Not counted in ClinVar's aggregate classification.
Comment: This variant is classified as benign based on ACMG/AMP sequence variant interpretation guidelines (Richards et al. 2015 PMID: 25741868, with internal and published modifications).

NM_170754.4(TNS2):c.411G>A (p.Thr137=)

Genes: TNS2 (tensin 2; plus strand), TNS2-AS1 (TNS2 antisense RNA 1; minus strand). Cytogenetic location: 12q13.13.
Variant type: single nucleotide variant.
Coding change: c.411G>A on transcript NM_170754.4 (MANE Select); coding-DNA position 411, G replaced by A.
Protein change: p.Thr137=; no amino-acid change (threonine 137 retained).
Molecular consequence: synonymous variant. On other transcripts: non-coding transcript variant (1).
Genome position (GRCh38, 1-based): chr12:53,054,330, G>A. VCF-style: chr12-53054330-G-A. GRCh37 (hg19) VCF-style: chr12-53448114-G-A.
Other names: c.411G>A, p.Thr137= (NM_001416202.1, NM_001416204.1); c.342G>A, p.Thr114= (NM_001416203.1, NM_015319.3); c.39G>A, p.Thr13= (NM_198316.2).
Identifiers: ClinVar variation 717657 (VCV000717657.25), dbSNP rs141470860, ClinGen allele CA6591917.